The following is an entry in ClinVar:

NM_000466.3(PEX1):c.244C>T (p.Gln82Ter)

Gene: PEX1 (peroxisomal biogenesis factor 1; minus strand). Cytogenetic location: 7q21.2.
Variant type: single nucleotide variant.
Coding change: c.244C>T on transcript NM_000466.3 (MANE Select); coding-DNA position 244, C replaced by T.
Protein change: p.Gln82Ter; replaces glutamine 82 with a stop codon.
Molecular consequence: nonsense. On other transcripts: 5 prime UTR variant (1).
Genome position (GRCh38, 1-based): chr7:92,522,131, G>A on the plus strand (C>T on the coding strand, the complement: PEX1 is on the minus strand). VCF-style: chr7-92522131-G-A. GRCh37 (hg19) VCF-style: chr7-92151445-G-A.
Other names: c.244C>T, p.Gln82Ter (NM_001282677.2); c.-416C>T (NM_001282678.2); short protein forms Q82*.
Identifiers: ClinVar variation 3644105 (VCV003644105.2).
Genomic context (GRCh38, chr7:92,522,131, plus strand): 5'-GAAGAAAGTTATTGCCATCACATGTGCTTACCTGTCCCCCATTTGAGAGTCCAAGTTTTT[G>A]ACCAACTTGTCTGTTAATTTCAGCCACATTTTCACCTTGATCACTAAAATGCCTGCCTTC-3'

ClinVar aggregate classification (germline): Pathogenic (1 of 4 stars; one submission).

Conditions:
Zellweger spectrum disorders (ZS). Also called: Zellweger syndrome; Zellweger Spectrum Disorder (ZSD); Zellweger Spectrum Disorder; Zellweger Spectrum. Identifiers: Orphanet 912, MedGen C0043459, MONDO:0019609.

Submission:

Labcorp Genetics (formerly Invitae), Labcorp
Classification: Pathogenic for Zellweger spectrum disorders. Last evaluated: 2024-03-02. Review status: criteria provided, single submitter. Criteria: Invitae Variant Classification Sherloc (09022015). Collection method: clinical testing. Allele origin: germline.
Comment: This sequence change creates a premature translational stop signal (p.Gln82*) in the PEX1 gene. It is expected to result in an absent or disrupted protein product. Loss-of-function variants in PEX1 are known to be pathogenic (PMID: 21031596, 26387595, 31831025). This variant is not present in population databases (gnomAD no frequency). This variant has not been reported in the literature in individuals affected with PEX1-related conditions. For these reasons, this variant has been classified as Pathogenic.

Literature cited by the submitters: PubMed 21031596; PubMed 26387595; PubMed 31831025.